The following is an entry in ClinVar:

NM_005422.4(TECTA):c.4139G>C (p.Ser1380Thr)

Genes: TBCEL-TECTA (TBCEL-TECTA readthrough; plus strand), TECTA (tectorin alpha; plus strand). Cytogenetic location: 11q23.3.
Variant type: single nucleotide variant.
Coding change: c.4139G>C on transcript NM_005422.4 (MANE Select); coding-DNA position 4139, G replaced by C.
Protein change: p.Ser1380Thr; replaces serine 1380 with threonine.
Molecular consequence: missense variant.
Genome position (GRCh38, 1-based): chr11:121,152,914, G>C. VCF-style: chr11-121152914-G-C. GRCh37 (hg19) VCF-style: chr11-121023623-G-C.
Other names: c.5096G>C, p.Ser1699Thr (NM_001378761.1); short protein forms S1380T, S1699T.
Identifiers: ClinVar variation 3966935 (VCV003966935.2).

ClinVar aggregate classification (germline): Uncertain significance. Review status: criteria provided, multiple submitters, no conflicts (2 of 4 stars). 2 submissions from 2 submitters: Uncertain significance (2). Last evaluated 2026-03-04.

Conditions:
TECTA-related disorder. Also called: TECTA-related condition.
Inborn genetic diseases. Identifiers: MedGen C0950123, MeSH D030342.

gnomAD v4.1: 65 of 1,607,756 alleles (0.004%); highest among the groups gnomAD compares: Non-Finnish European, 0.0053%; no homozygotes.

Submissions (2):

PreventionGenetics, part of Exact Sciences
Classification: Uncertain significance for TECTA-related condition. Last evaluated: 2026-03-04. Review status: criteria provided, single submitter. Criteria: ACMG Guidelines, 2015. Collection method: clinical testing. Allele origin: germline.
Comment: The TECTA c.4139G>C variant is predicted to result in the amino acid substitution p.Ser1380Thr. To our knowledge, this variant has not been reported in the literature. This variant is reported in 0.0018% of alleles in individuals of European (Non-Finnish) descent in gnomAD. At this time, the clinical significance of this variant is uncertain due to the absence of conclusive functional and genetic evidence.

Ambry Genetics
Classification: Uncertain significance for Inborn genetic diseases. Last evaluated: 2025-04-14. Review status: criteria provided, single submitter. Criteria: Ambry Variant Classification Scheme 2023. Collection method: clinical testing. Allele origin: germline.